The following is an entry in ClinVar:

ClinVar aggregate classification (germline): Uncertain significance. Review status: criteria provided, multiple submitters, no conflicts (2 of 4 stars). 3 submissions from 3 submitters: Uncertain significance (3). Last evaluated 2023-12-24.

Conditions:
ABRAXAS1-related disorder. Also called: ABRAXAS1-related condition.

Allele frequency attached by ClinVar (database versions not stated): gnomAD 0.00001 and 0.00003; gnomAD exomes 0.00001 and 0.00003; ExAC 0.00003; TOPMed 0.00003.
gnomAD v4.1: 13 of 1,613,816 alleles (0.00081%); highest among the groups gnomAD compares: African/African-American, 0.0013%; no homozygotes.

Submissions (3):

Ambry Genetics
Classification: Uncertain significance. Last evaluated: 2023-12-24. Review status: criteria provided, single submitter. Criteria: Ambry Variant Classification Scheme 2023. Collection method: clinical testing. Allele origin: germline.
Comment: The p.H346Y variant (also known as c.1036C>T), located in coding exon 9 of the FAM175A gene, results from a C to T substitution at nucleotide position 1036. The histidine at codon 346 is replaced by tyrosine, an amino acid with similar properties. This amino acid position is conserved. In addition, this alteration is predicted to be tolerated by in silico analysis. Since supporting evidence is limited at this time, the clinical significance of this alteration remains unclear.

Labcorp Genetics (formerly Invitae), Labcorp
Classification: Uncertain significance. Last evaluated: 2023-12-08. Review status: criteria provided, single submitter. Criteria: Invitae Variant Classification Sherloc (09022015). Collection method: clinical testing. Allele origin: germline.
Comment: This sequence change replaces histidine, which is basic and polar, with tyrosine, which is neutral and polar, at codon 346 of the ABRAXAS1 protein (p.His346Tyr). This variant is present in population databases (rs755755614, gnomAD 0.007%). This variant has not been reported in the literature in individuals affected with ABRAXAS1-related conditions. ClinVar contains an entry for this variant (Variation ID: 411329). Advanced modeling of protein sequence and biophysical properties (such as structural, functional, and spatial information, amino acid conservation, physicochemical variation, residue mobility, and thermodynamic stability) performed at Invitae indicates that this missense variant is not expected to disrupt ABRAXAS1 protein function with a negative predictive value of 80%. In summary, the available evidence is currently insufficient to determine the role of this variant in disease. Therefore, it has been classified as a Variant of Uncertain Significance.

Department of Pathology and Laboratory Medicine, Sinai Health System
Classification: Uncertain significance for ABRAXAS1-related condition. Last evaluated: 2022-05-17. Review status: criteria provided, single submitter. Criteria: ACMG Guidelines, 2015. Collection method: research. Allele origin: germline.

NM_139076.3(ABRAXAS1):c.1036C>T (p.His346Tyr)

Gene: ABRAXAS1 (abraxas 1, BRCA1 A complex subunit; minus strand). Cytogenetic location: 4q21.23.
Variant type: single nucleotide variant.
Coding change: c.1036C>T on transcript NM_139076.3 (MANE Select); coding-DNA position 1036, C replaced by T.
Protein change: p.His346Tyr; replaces histidine 346 with tyrosine.
Molecular consequence: missense variant.
Genome position (GRCh38, 1-based): chr4:83,462,663, G>A on the plus strand (C>T on the coding strand, the complement: ABRAXAS1 is on the minus strand). VCF-style: chr4-83462663-G-A. GRCh37 (hg19) VCF-style: chr4-84383816-G-A.
Other names: c.709C>T, p.His237Tyr (NM_001345962.2); short protein forms H346Y, H237Y.
Identifiers: ClinVar variation 411329 (VCV000411329.15), dbSNP rs755755614, ClinGen allele CA2990391.